The following is an entry in ClinVar:

ClinVar aggregate classification (germline): Uncertain significance (1 of 4 stars; one submission).

Conditions:
Desmin-related myofibrillar myopathy (MFM1). Also called: Desminopathy; Desmin related myopathy (former name); Desmin storage myopathy (former name); MYOFIBRILLAR MYOPATHY WITH ARRHYTHMOGENIC RIGHT VENTRICULAR CARDIOMYOPATHY; DESMIN-RELATED MYOPATHY WITH ARRHYTHMOGENIC RIGHT VENTRICULAR CARDIOMYOPATHY; Myofibrillar myopathy 1. Identifiers: Orphanet 363543, Orphanet 98909, MedGen C1832370, MONDO:0011076, OMIM 601419.

Submission:

Labcorp Genetics (formerly Invitae), Labcorp
Classification: Uncertain significance for Desmin-related myofibrillar myopathy. Last evaluated: 2020-04-15. Review status: criteria provided, single submitter. Criteria: Invitae Variant Classification Sherloc (09022015). Collection method: clinical testing. Allele origin: germline.
Comment: In summary, the available evidence is currently insufficient to determine the role of this variant in disease. Therefore, it has been classified as a Variant of Uncertain Significance. Algorithms developed to predict the effect of missense changes on protein structure and function are either unavailable or do not agree on the potential impact of this missense change (SIFT: "Deleterious"; PolyPhen-2: "Probably Damaging"; Align-GVGD: "Class C0"). This variant has not been reported in the literature in individuals with DES-related conditions. This variant is not present in population databases (ExAC no frequency). This sequence change replaces lysine with glutamic acid at codon 109 of the DES protein (p.Lys109Glu). The lysine residue is highly conserved and there is a small physicochemical difference between lysine and glutamic acid.

NM_001927.4(DES):c.325A>G (p.Lys109Glu)

Gene: DES (desmin; plus strand). Cytogenetic location: 2q35.
Variant type: single nucleotide variant.
Coding change: c.325A>G on transcript NM_001927.4 (MANE Select); coding-DNA position 325, A replaced by G.
Protein change: p.Lys109Glu; replaces lysine 109 with glutamic acid.
Molecular consequence: missense variant.
Genome position (GRCh38, 1-based): chr2:219,418,787, A>G. VCF-style: chr2-219418787-A-G. GRCh37 (hg19) VCF-style: chr2-220283509-A-G.
Other names: c.325A>G, p.Lys109Glu (NM_001382708.1, NM_001382709.1, NM_001382710.1 and 3 more transcripts); short protein forms K109E.
Identifiers: ClinVar variation 1018321 (VCV001018321.9), dbSNP rs1954371825, ClinGen allele CA350685236.